The following is an entry in ClinVar:

ClinVar aggregate classification (germline): Uncertain significance (1 of 4 stars; one submission).

Conditions:
Ehlers-Danlos syndrome, classic type, 1 (EDSCL1). Also called: EHLERS-DANLOS SYNDROME, GRAVIS TYPE; EHLERS-DANLOS SYNDROME, SEVERE CLASSIC TYPE; Ehlers-Danlos syndrome, type 1; Ehlers-Danlos Syndrome, Classic Type, COL5A1-Related; EDS I. Identifiers: MedGen C0268335, MONDO:0019567, OMIM 130000.

Submission:

Labcorp Genetics (formerly Invitae), Labcorp
Classification: Uncertain significance for Ehlers-Danlos syndrome, classic type, 1. Last evaluated: 2024-12-16. Review status: criteria provided, single submitter. Criteria: Invitae Variant Classification Sherloc (09022015). Collection method: clinical testing. Allele origin: germline.
Comment: This sequence change falls in intron 27 of the COL5A2 gene. It does not directly change the encoded amino acid sequence of the COL5A2 protein. This variant is not present in population databases (gnomAD no frequency). This variant has not been reported in the literature in individuals affected with COL5A2-related conditions. Algorithms developed to predict the effect of sequence changes on RNA splicing suggest that this variant may disrupt the consensus splice site. In summary, the available evidence is currently insufficient to determine the role of this variant in disease. Therefore, it has been classified as a Variant of Uncertain Significance.

NM_000393.5(COL5A2):c.1869+7A>G

Gene: COL5A2 (collagen type V alpha 2 chain; minus strand). Cytogenetic location: 2q32.2.
Variant type: single nucleotide variant.
Coding change: c.1869+7A>G on transcript NM_000393.5 (MANE Select); 7 bases into the intron after coding-DNA position 1869, A replaced by G.
Molecular consequence: intron variant.
Genome position (GRCh38, 1-based): chr2:189,063,165, T>C on the plus strand (A>G on the coding strand, the complement: COL5A2 is on the minus strand). VCF-style: chr2-189063165-T-C. GRCh37 (hg19) VCF-style: chr2-189927891-T-C.
Identifiers: ClinVar variation 3682142 (VCV003682142.2).